The following is an entry in ClinVar:

NM_000155.4(GALT):c.377+1G>T

Gene: GALT (galactose-1-phosphate uridylyltransferase; plus strand). Cytogenetic location: 9p13.3.
Variant type: single nucleotide variant.
Coding change: c.377+1G>T on transcript NM_000155.4 (MANE Select); the canonical splice donor site of the intron after coding-DNA position 377, G replaced by T.
Molecular consequence: splice donor variant. On other transcripts: intron variant (1).
Genome position (GRCh38, 1-based): chr9:34,647,706, G>T. VCF-style: chr9-34647706-G-T. GRCh37 (hg19) VCF-style: chr9-34647703-G-T.
Other names: c.51-126G>T (NM_001258332.2).
Identifiers: ClinVar variation 25164 (VCV000025164.10), dbSNP rs111033681, ClinGen allele CA259375.

ClinVar aggregate classification (germline): Pathogenic. Review status: criteria provided, multiple submitters, no conflicts (2 of 4 stars). 3 submissions from 3 submitters: Pathogenic (3). Last evaluated 2023-11-20.

Conditions:
Galactosemia. Also called: Galactose intolerance. Identifiers: Orphanet 352, MedGen C0016952, MONDO:0018116, HP:0004919. Disease mechanism: loss of function.
Deficiency of UDPglucose-hexose-1-phosphate uridylyltransferase. Also called: GALACTOSE-1-PHOSPHATE URIDYLYLTRANSFERASE DEFICIENCY; GALT deficiency; Galactosemia, classic; Transferase Deficiency Galactosemia; GALACTOSEMIA I. Identifiers: Orphanet 352, Orphanet 79239, MedGen C0268151, MONDO:0009258, OMIM 230400.

Submissions (4):

Labcorp Genetics (formerly Invitae), Labcorp
Classification: Pathogenic for Deficiency of UDPglucose-hexose-1-phosphate uridylyltransferase. Last evaluated: 2023-11-20. Review status: criteria provided, single submitter. Criteria: Invitae Variant Classification Sherloc (09022015). Collection method: clinical testing. Allele origin: germline.
Comment: This sequence change affects a donor splice site in intron 4 of the GALT gene. It is expected to disrupt RNA splicing. Variants that disrupt the donor or acceptor splice site typically lead to a loss of protein function (PMID: 16199547), and loss-of-function variants in GALT are known to be pathogenic (PMID: 22944367). This variant is not present in population databases (gnomAD no frequency). Disruption of this splice site has been observed in individual(s) with galactosemia (PMID: 10573007, 31194895; Invitae). In at least one individual the data is consistent with being in trans (on the opposite chromosome) from a pathogenic variant. ClinVar contains an entry for this variant (Variation ID: 25164). Algorithms developed to predict the effect of sequence changes on RNA splicing suggest that this variant may disrupt the consensus splice site. For these reasons, this variant has been classified as Pathogenic.

Mayo Clinic Laboratories, Mayo Clinic
Classification: Pathogenic. Last evaluated: 2021-06-09. Review status: criteria provided, single submitter. Criteria: ACMG Guidelines, 2015. Collection method: clinical testing. Allele origin: germline.
Comment: PVS1, PS4_moderate, PM2, PP4

CENTOGENE GmbH and LLC - Guiding Precision Medicine
Classification: Pathogenic for Galactosemia. Review status: criteria provided, single submitter. Criteria: ACMG Guidelines, 2015. Collection method: clinical testing. Allele origin: germline. Affected: yes.

Dr. Peter K. Rogan Lab, Western University
No classification provided (evidence only). Condition: Ovarian serous cystadenocarcinoma. Review status: no classification provided. Collection method: in vitro. Allele origin: not applicable. Functional consequence: retained intron. Not counted in ClinVar's aggregate classification.

Literature cited by the submitters: PubMed 16199547 (cited by Labcorp Genetics (formerly Invitae), Labcorp); PubMed 22944367 (cited by Labcorp Genetics (formerly Invitae), Labcorp); PubMed 10573007 (cited by Labcorp Genetics (formerly Invitae), Labcorp and Mayo Clinic Laboratories, Mayo Clinic); PubMed 31194895 (cited by Labcorp Genetics (formerly Invitae), Labcorp and Mayo Clinic Laboratories, Mayo Clinic); PubMed 10408771 (cited by Mayo Clinic Laboratories, Mayo Clinic).